The following is an entry in ClinVar:

NM_006231.4(POLE):c.1598_1601delinsAAGCTGACGGACGTA (p.Val533fs)

Gene: POLE (DNA polymerase epsilon, catalytic subunit; minus strand). Cytogenetic location: 12q24.33.
Variant type: Indel.
Coding change: c.1598_1601delinsAAGCTGACGGACGTA on transcript NM_006231.4 (MANE Select); coding-DNA positions 1598 to 1601, TGCT replaced by AAGCTGACGGACGTA.
Protein change: p.Val533fs; shifts the reading frame from valine 533.
Molecular consequence: frameshift variant.
Genome position (GRCh38, 1-based): chr12:132,672,712-132,672,715, AGCA replaced by TACGTCCGTCAGCTT on the plus strand (TGCT replaced by AAGCTGACGGACGTA on the coding strand, the reverse complement: POLE is on the minus strand). VCF-style: chr12-132672712-AGCA-TACGTCCGTCAGCTT. GRCh37 (hg19) VCF-style: chr12-133249298-AGCA-TACGTCCGTCAGCTT.
Other names: short protein forms V533fs.
Identifiers: ClinVar variation 2054454 (VCV002054454.4), dbSNP rs2542134839, ClinGen allele CA2580086007.

ClinVar aggregate classification (germline): Pathogenic (1 of 4 stars; one submission).

Submission:

Labcorp Genetics (formerly Invitae), Labcorp
Classification: Pathogenic. Last evaluated: 2025-11-23. Review status: criteria provided, single submitter. Criteria: Invitae Variant Classification Sherloc (09022015). Collection method: clinical testing. Allele origin: germline.
Comment: This sequence change creates a premature translational stop signal (p.Val533Glufs*34) in the POLE gene. It is expected to result in an absent or disrupted protein product. Loss-of-function variants in POLE are known to be pathogenic (PMID: 23230001, 25948378, 30503519). Information on the frequency of this variant in the gnomAD database is not available, as this variant may be reported differently in the database. This variant has not been reported in the literature in individuals affected with POLE-related conditions. For these reasons, this variant has been classified as Pathogenic.

Literature cited by the submitters: PubMed 23230001; PubMed 25948378; PubMed 30503519.